The following is an entry in ClinVar:

NM_001322934.2(NFKB2):c.1258G>A (p.Ala420Thr)

Genes: NFKB2 (nuclear factor kappa B subunit 2; plus strand), LOC130004599 (ATAC-STARR-seq lymphoblastoid silent region 2756; plus strand). Cytogenetic location: 10q24.32.
Variant type: single nucleotide variant.
Coding change: c.1258G>A on transcript NM_001322934.2 (MANE Select); coding-DNA position 1258, G replaced by A.
Protein change: p.Ala420Thr; replaces alanine 420 with threonine.
Molecular consequence: missense variant.
Genome position (GRCh38, 1-based): chr10:102,399,428, G>A. VCF-style: chr10-102399428-G-A. GRCh37 (hg19) VCF-style: chr10-104159185-G-A.
Other names: c.1258G>A, p.Ala420Thr (NM_001077494.3, NM_001261403.3, NM_001288724.1 and 1 more transcripts); c.1132G>A, p.Ala378Thr (NM_001322935.1); short protein forms A378T, A420T.
Identifiers: ClinVar variation 1346579 (VCV001346579.7), dbSNP rs1288456438, ClinGen allele CA377899194.

ClinVar aggregate classification (germline): Uncertain significance. Review status: criteria provided, multiple submitters, no conflicts (2 of 4 stars). 2 submissions from 2 submitters: Uncertain significance (2). Last evaluated 2025-07-22.

Conditions:
NFKB2-related disorder. Also called: NFKB2-related condition.
Immunodeficiency, common variable, 10. Also called: DEFICIT IN ANTERIOR PITUITARY FUNCTION AND VARIABLE IMMUNODEFICIENCY; IMMUNODEFICIENCY, COMMON VARIABLE, WITH CENTRAL ADRENAL INSUFFICIENCY. Identifiers: MedGen C3809991, MONDO:0014260, OMIM 615577.

Allele frequency attached by ClinVar (database versions not stated): TOPMed 0.00002; gnomAD 0.00003 and 0.00004; gnomAD exomes 0.00003 and 0.00005.
gnomAD v4.1: 73 of 1,520,926 alleles (0.0048%); highest among the groups gnomAD compares: Non-Finnish European, 0.0062%; no homozygotes.

Submissions (2):

Labcorp Genetics (formerly Invitae), Labcorp
Classification: Uncertain significance for Immunodeficiency, common variable, 10. Last evaluated: 2025-07-22. Review status: criteria provided, single submitter. Criteria: Invitae Variant Classification Sherloc (09022015). Collection method: clinical testing. Allele origin: germline.
Comment: This sequence change replaces alanine, which is neutral and non-polar, with threonine, which is neutral and polar, at codon 420 of the NFKB2 protein (p.Ala420Thr). The frequency data for this variant in the population databases is considered unreliable, as metrics indicate poor data quality at this position in the gnomAD database. This variant has not been reported in the literature in individuals affected with NFKB2-related conditions. ClinVar contains an entry for this variant (Variation ID: 1346579). An algorithm developed to predict the effect of missense changes on protein structure and function (PolyPhen-2) suggests that this variant is likely to be tolerated. In summary, the available evidence is currently insufficient to determine the role of this variant in disease. Therefore, it has been classified as a Variant of Uncertain Significance.

PreventionGenetics, part of Exact Sciences
Classification: Uncertain significance for NFKB2-related condition. Last evaluated: 2023-04-06. Review status: criteria provided, single submitter. Criteria: ACMG Guidelines, 2015. Collection method: clinical testing. Allele origin: germline.
Comment: The NFKB2 c.1258G>A variant is predicted to result in the amino acid substitution p.Ala420Thr. To our knowledge, this variant has not been reported in the literature. This variant is reported in 0.010% of alleles in individuals of European (Non-Finnish) descent in gnomAD. At this time, the clinical significance of this variant is uncertain due to the absence of conclusive functional and genetic evidence.